The following is an entry in ClinVar:

NM_001081.4(CUBN):c.3528C>T (p.Phe1176=)

Gene: CUBN (cubilin; minus strand). Cytogenetic location: 10p13.
Variant type: single nucleotide variant.
Coding change: c.3528C>T on transcript NM_001081.4 (MANE Select); coding-DNA position 3528, C replaced by T.
Protein change: p.Phe1176=; no amino-acid change (phenylalanine 1176 retained).
Molecular consequence: synonymous variant.
Genome position (GRCh38, 1-based): chr10:17,045,151, G>A on the plus strand (C>T on the coding strand, the complement: CUBN is on the minus strand). VCF-style: chr10-17045151-G-A. GRCh37 (hg19) VCF-style: chr10-17087150-G-A.
Identifiers: ClinVar variation 2077494 (VCV002077494.7), dbSNP rs539850576, ClinGen allele CA5424635.
Genomic context (GRCh38, chr10:17,045,151, plus strand): 5'-TTTCAACCACCAGTAGCATTCAGAGCTGTGGTAATAGGGCATCGGGTAGTTGGGAGATAT[G>A]AACGTGCCGCTTGAAGTGGTGAGATTACCCCCGCAACCTACAGGAGAAAGAAGTGGAATG-3'
Protein context (NP_001072.2, residues 1166-1186): GGNLTTSSGT[Phe1176=]ISPNYPMPYY

ClinVar aggregate classification (germline): Benign/Likely benign. Review status: criteria provided, multiple submitters, no conflicts (2 of 4 stars). 3 submissions from 3 submitters: Benign (1); Likely benign (1). 1 of the submissions does not count toward it. Last evaluated 2025-12-29.

Conditions:
Imerslund-Grasbeck syndrome type 1 (IGS1). Also called: Imerslund-Gräsbeck syndrome 1; Megaloblastic anemia 1, Finnish type; MEGALOBLASTIC ANEMIA, 1. Identifiers: MedGen C4016819, MONDO:0100156, OMIM 261100.
Proteinuria, chronic benign. Identifiers: MedGen C5394384, MONDO:0030042, OMIM 618884.
CUBN-related disorder. Also called: CUBN-related condition.
Imerslund-Grasbeck syndrome. Also called: ENTEROCYTE COBALAMIN MALABSORPTION; ENTEROCYTE INTRINSIC FACTOR RECEPTOR, DEFECT OF; PERNICIOUS ANEMIA, JUVENILE, DUE TO SELECTIVE INTESTINAL MALABSORPTION OF VITAMIN B12, WITH PROTEINURIA; Imerslund-Gräsbeck syndrome; Megaloblastic anemia due to inborn errors of metabolism. Identifiers: Orphanet 35858, MedGen C4551825, MONDO:0009853.

Allele frequency attached by ClinVar (database versions not stated): gnomAD exomes 0.00014; 1000 Genomes Project 30x 0.00078; gnomAD 0.00012; 1000 Genomes Project 0.00100; TOPMed 0.00003; ExAC 0.00033.
gnomAD v4.1: 215 of 1,613,822 alleles (0.013%); highest among the groups gnomAD compares: South Asian, 0.23%; 2 homozygotes.

Submissions (3):

Labcorp Genetics (formerly Invitae), Labcorp
Classification: Benign for Imerslund-Grasbeck syndrome. Last evaluated: 2025-12-29. Review status: criteria provided, single submitter. Criteria: Invitae Variant Classification Sherloc (09022015). Collection method: clinical testing. Allele origin: germline.

Fulgent Genetics
Classification: Likely benign for Imerslund-Grasbeck syndrome type 1; Proteinuria, chronic benign. Last evaluated: 2024-02-22. Review status: criteria provided, single submitter. Criteria: ACMG Guidelines, 2015. Collection method: clinical testing. Allele origin: germline.

PreventionGenetics, part of Exact Sciences
Classification: Likely benign for CUBN-related condition. Last evaluated: 2022-10-24. Review status: no assertion criteria provided. Collection method: clinical testing. Allele origin: germline. Not counted in ClinVar's aggregate classification.
Comment: This variant is classified as likely benign based on ACMG/AMP sequence variant interpretation guidelines (Richards et al. 2015 PMID: 25741868, with internal and published modifications).